The following is an entry in ClinVar:

ClinVar aggregate classification (germline): Uncertain significance (1 of 4 stars; one submission).

gnomAD v4.1: 4 of 1,613,950 alleles (0.00025%); highest among the groups gnomAD compares: African/African-American, 0.0013%; no homozygotes.

Submission:

Labcorp Genetics (formerly Invitae), Labcorp
Classification: Uncertain significance. Last evaluated: 2025-04-15. Review status: criteria provided, single submitter. Criteria: Invitae Variant Classification Sherloc (09022015). Collection method: clinical testing. Allele origin: germline.
Comment: This sequence change replaces proline, which is neutral and non-polar, with threonine, which is neutral and polar, at codon 1061 of the GRIP1 protein (p.Pro1061Thr). This variant is present in population databases (no rsID available, gnomAD 0.007%). This variant has not been reported in the literature in individuals affected with GRIP1-related conditions. An algorithm developed to predict the effect of missense changes on protein structure and function outputs the following: PolyPhen-2: "Benign". The threonine amino acid residue is found in multiple mammalian species, which suggests that this missense change does not adversely affect protein function. In summary, the available evidence is currently insufficient to determine the role of this variant in disease. Therefore, it has been classified as a Variant of Uncertain Significance.

NM_001366722.1(GRIP1):c.3337C>A (p.Pro1113Thr)

Gene: GRIP1 (glutamate receptor interacting protein 1; minus strand). Cytogenetic location: 12q14.3.
Variant type: single nucleotide variant.
Coding change: c.3337C>A on transcript NM_001366722.1 (MANE Select); coding-DNA position 3337, C replaced by A.
Protein change: p.Pro1113Thr; replaces proline 1113 with threonine.
Molecular consequence: missense variant.
Genome position (GRCh38, 1-based): chr12:66,349,069, G>T on the plus strand (C>A on the coding strand, the complement: GRIP1 is on the minus strand). VCF-style: chr12-66349069-G-T. GRCh37 (hg19) VCF-style: chr12-66742849-G-T.
Other names: c.3136C>A, p.Pro1046Thr (NM_001178074.2, NM_001379351.1); c.3256C>A, p.Pro1086Thr (NM_001366723.1); c.3259C>A, p.Pro1087Thr (NM_001366724.1); c.3415C>A, p.Pro1139Thr (NM_001379345.1); c.3292C>A, p.Pro1098Thr (NM_001379346.1, NM_001439323.1); c.3214C>A, p.Pro1072Thr (NM_001379347.1); c.3211C>A, p.Pro1071Thr (NM_001379348.1); c.3184C>A, p.Pro1062Thr (NM_001379349.1); and 2 more; short protein forms P1046T, P1061T, P1062T, P1071T, P1072T, P1086T, P1087T, P1098T.
Identifiers: ClinVar variation 4805893 (VCV004805893.1).